The following is an entry in ClinVar:

NM_013266.4(CTNNA3):c.959C>T (p.Thr320Met)

Gene: CTNNA3 (catenin alpha 3; minus strand). Cytogenetic location: 10q21.3.
Variant type: single nucleotide variant.
Coding change: c.959C>T on transcript NM_013266.4 (MANE Select); coding-DNA position 959, C replaced by T.
Protein change: p.Thr320Met; replaces threonine 320 with methionine.
Molecular consequence: missense variant.
Genome position (GRCh38, 1-based): chr10:67,180,405, G>A on the plus strand (C>T on the coding strand, the complement: CTNNA3 is on the minus strand). VCF-style: chr10-67180405-G-A. GRCh37 (hg19) VCF-style: chr10-68940163-G-A.
Other names: c.959C>T, p.Thr320Met (NM_001127384.3); c.995C>T, p.Thr332Met (NM_001291133.2); short protein forms T320M, T332M.
Identifiers: ClinVar variation 835794 (VCV000835794.15), dbSNP rs139460414, ClinGen allele CA5520444.

ClinVar aggregate classification (germline): Conflicting classifications of pathogenicity. Review status: criteria provided, conflicting classifications (1 of 4 stars). 4 submissions from 4 submitters: Uncertain significance (3); Likely benign (1). Last evaluated 2025-11-23.

Conditions:
Arrhythmogenic right ventricular dysplasia 13. Also called: ARRHYTHMOGENIC RIGHT VENTRICULAR CARDIOMYOPATHY 13; Arrhythmogenic right ventricular dysplasia, familial, 13. Identifiers: MedGen C3810138, MONDO:0000908, OMIM 615616.

Allele frequency attached by ClinVar (database versions not stated): TOPMed 0.00003; gnomAD 0.00004; gnomAD exomes 0.00004; ExAC 0.00007; ESP Exome Variant Server 0.00023.
gnomAD v4.1: 104 of 1,613,638 alleles (0.0064%); highest among the groups gnomAD compares: South Asian, 0.013%; no homozygotes.

Submissions (4):

Labcorp Genetics (formerly Invitae), Labcorp
Classification: Uncertain significance for Arrhythmogenic right ventricular dysplasia 13. Last evaluated: 2025-11-23. Review status: criteria provided, single submitter. Criteria: Invitae Variant Classification Sherloc (09022015). Collection method: clinical testing. Allele origin: germline.
Comment: This sequence change replaces threonine, which is neutral and polar, with methionine, which is neutral and non-polar, at codon 320 of the CTNNA3 protein (p.Thr320Met). This variant is present in population databases (rs139460414, gnomAD 0.008%). This variant has not been reported in the literature in individuals affected with CTNNA3-related conditions. ClinVar contains an entry for this variant (Variation ID: 835794). Invitae Evidence Modeling of protein sequence and biophysical properties (such as structural, functional, and spatial information, amino acid conservation, physicochemical variation, residue mobility, and thermodynamic stability) indicates that this missense variant is expected to disrupt CTNNA3 protein function with a positive predictive value of 80%. In summary, the available evidence is currently insufficient to determine the role of this variant in disease. Therefore, it has been classified as a Variant of Uncertain Significance.

Ambry Genetics
Classification: Uncertain significance. Last evaluated: 2025-01-30. Review status: criteria provided, single submitter. Criteria: Ambry Variant Classification Scheme 2023. Collection method: clinical testing. Allele origin: germline.

Blueprint Genetics
Classification: Likely benign. Last evaluated: 2024-07-15. Review status: criteria provided, single submitter. Criteria: ACMG Guidelines, 2015. Collection method: clinical testing. Allele origin: germline.

Neuberg Centre For Genomic Medicine, NCGM
Classification: Uncertain significance for Arrhythmogenic right ventricular dysplasia 13. Review status: criteria provided, single submitter. Criteria: ACMG Guidelines, 2015. Collection method: clinical testing. Allele origin: germline. Inheritance: Autosomal dominant inheritance. Affected: yes.